The following is an entry in ClinVar:

NM_006891.4(CRYGD):c.118A>T (p.Ser40Cys)

Genes: CRYGD (crystallin gamma D; minus strand), LOC100507443 (uncharacterized LOC100507443; plus strand). Cytogenetic location: 2q33.3.
Variant type: single nucleotide variant.
Coding change: c.118A>T on transcript NM_006891.4 (MANE Select); coding-DNA position 118, A replaced by T.
Protein change: p.Ser40Cys; replaces serine 40 with cysteine.
Molecular consequence: missense variant.
Genome position (GRCh38, 1-based): chr2:208,124,246, T>A on the plus strand (A>T on the coding strand, the complement: CRYGD is on the minus strand). VCF-style: chr2-208124246-T-A. GRCh37 (hg19) VCF-style: chr2-208988970-T-A.
Other names: short protein forms S40C.
Identifiers: ClinVar variation 449631 (VCV000449631.2), dbSNP rs1265593301, ClinGen allele CA350092738.
Genomic context (GRCh38, chr2:208,124,246, plus strand): 5'-GGCGCAGGAAGTACTGGAGGCCCGAGTAGTTGGGCTGCTCATAGAGCATCCAGCAGCCGC[T>A]GTCCACGCGCGCCGAGTTGCAGCGGCTCAAGTAGGGCTGCAGGTTGGGGTGGTCGCTGCT-3'
Protein context (NP_008822.2, residues 30-50): LSRCNSARVD[Ser40Cys]GCWMLYEQPN

ClinVar aggregate classification (germline): Uncertain significance (1 of 4 stars; one submission).

Submission:

GeneDx
Classification: Uncertain significance. Last evaluated: 2018-06-15. Review status: criteria provided, single submitter. Criteria: GeneDx Variant Classification (06012015). Collection method: clinical testing. Allele origin: germline. Affected: yes.
Comment: The S40C variant in the CRYGD gene has not been reported previously as a pathogenic variant, nor as a benign variant, to our knowledge. The S40C variant was not observed in approximately 6,400 individuals of European and African American ancestry in the NHLBI Exome Sequencing Project, indicating it is not a common benign variant in these populations. The S40C variant is a non-conservative amino acid substitution, which is likely to impact secondary protein structure as these residues differ in polarity, charge, size and/or other properties. This substitution occurs at a position where amino acids with similar properties to Serine are tolerated across species. In silico analysis predicts this variant is probably damaging to the protein structure/function. Missense variants in nearby residues (A36P, R37S, R37P, W43R) have been reported in the Human Gene Mutation Database in association with cataracts (Stenson et al., 2014), supporting the functional importance of this region of the protein. We interpret S40C as a variant of uncertain significance.